The following is an entry in ClinVar:

ClinVar aggregate classification (germline): Benign/Likely benign. Review status: criteria provided, multiple submitters, no conflicts (2 of 4 stars). 5 submissions from 5 submitters: Benign (1); Likely benign (4). Last evaluated 2026-01-07.

Conditions:
Hereditary cancer-predisposing syndrome. Also called: Neoplastic Syndromes, Hereditary; Hereditary neoplastic syndrome; Tumor predisposition; Hereditary Cancer Syndrome. Identifiers: Orphanet 140162, MedGen C0027672, MeSH D009386, MONDO:0015356.
Familial cancer of breast. Also called: BREAST CANCER, FAMILIAL; hereditary breast carcinoma; Hereditary breast cancer. Identifiers: Orphanet 227535, MedGen C0346153, MONDO:0016419, OMIM 114480. Disease mechanism: loss of function.
Ataxia-telangiectasia syndrome (AT). Also called: AT, COMPLEMENTATION GROUP C; ATAXIA-TELANGIECTASIA, COMPLEMENTATION GROUP A; ATAXIA-TELANGIECTASIA, FRESNO VARIANT; LOUIS-BAR SYNDROME; Ataxia-telangiectasia; Cerebello-oculocutaneous telangiectasia. Identifiers: Orphanet 100, MedGen C0004135, MONDO:0008840, OMIM 208900.

Allele frequency attached by ClinVar (database versions not stated): gnomAD 0.00001; TOPMed 0.00001.
gnomAD v4.1: 2 of 1,529,046 alleles (0.00013%); highest among the groups gnomAD compares: African/African-American, 0.0028%; no homozygotes.

Submissions (5):

Labcorp Genetics (formerly Invitae), Labcorp
Classification: Likely benign for Ataxia-telangiectasia syndrome. Last evaluated: 2026-01-07. Review status: criteria provided, single submitter. Criteria: Invitae Variant Classification Sherloc (09022015). Collection method: clinical testing. Allele origin: germline.

Myriad Genetics, Inc.
Classification: Benign for Familial cancer of breast. Last evaluated: 2024-05-20. Review status: criteria provided, single submitter. Criteria: Myriad Autosomal Dominant, Autosomal Recessive and X-Linked Classification Criteria (2023). Collection method: clinical testing. Allele origin: unknown.
Comment: This variant is considered benign. This variant is a silent/synonymous amino acid change and it is not expected to impact splicing.

Color Diagnostics, LLC DBA Color Health
Classification: Likely benign for Hereditary cancer-predisposing syndrome. Last evaluated: 2021-02-12. Review status: criteria provided, single submitter. Criteria: ACMG Guidelines, 2015. Collection method: clinical testing. Allele origin: germline.

Ambry Genetics
Classification: Likely benign for Hereditary cancer-predisposing syndrome. Last evaluated: 2019-01-02. Review status: criteria provided, single submitter. Criteria: Ambry Variant Classification Scheme 2023. Collection method: clinical testing. Allele origin: germline.

GeneDx
Classification: Likely benign. Last evaluated: 2016-05-05. Review status: criteria provided, single submitter. Criteria: GeneDx Variant Classification (06012015). Collection method: clinical testing. Allele origin: germline. Affected: yes.
Comment: This variant is considered likely benign or benign based on one or more of the following criteria: it is a conservative change, it occurs at a poorly conserved position in the protein, it is predicted to be benign by multiple in silico algorithms, and/or has population frequency not consistent with disease.

NM_000051.4(ATM):c.4615T>C (p.Leu1539=)

Gene: ATM (ATM serine/threonine kinase; plus strand). Cytogenetic location: 11q22.3.
Variant type: single nucleotide variant.
Coding change: c.4615T>C on transcript NM_000051.4 (MANE Select); coding-DNA position 4615, T replaced by C.
Protein change: p.Leu1539=; no amino-acid change (leucine 1539 retained).
Molecular consequence: synonymous variant.
Genome position (GRCh38, 1-based): chr11:108,293,316, T>C. VCF-style: chr11-108293316-T-C. GRCh37 (hg19) VCF-style: chr11-108164043-T-C.
Other names: c.4615T>C, p.Leu1539= (NM_001351834.2).
Identifiers: ClinVar variation 385937 (VCV000385937.18), dbSNP rs976206782, ClinGen allele CA16606191.
Genomic context (GRCh38, chr11:108,293,316, plus strand): 5'-GGCTTACTTTAAAATTATTTCTCTCCTTATAATTTTTTCTTTTTAAATTATATTTAGGTA[T>C]TGGACTTGTTGAAATACTTAGTGATAGATAACAAGGATAATGAAAACCTCTATATCACGA-3'
Protein context (NP_000042.3, residues 1529-1549): YEQVEVQKQV[Leu1539=]DLLKYLVIDN